The following is an entry in ClinVar:

NM_001330260.2(SCN8A):c.4679T>C (p.Val1560Ala)

Gene: SCN8A (sodium voltage-gated channel alpha subunit 8; plus strand). Cytogenetic location: 12q13.13.
Variant type: single nucleotide variant.
Coding change: c.4679T>C on transcript NM_001330260.2 (MANE Select); coding-DNA position 4679, T replaced by C.
Protein change: p.Val1560Ala; replaces valine 1560 with alanine.
Molecular consequence: missense variant.
Genome position (GRCh38, 1-based): chr12:51,794,525, T>C. VCF-style: chr12-51794525-T-C. GRCh37 (hg19) VCF-style: chr12-52188309-T-C.
Other names: c.4556T>C, p.Val1519Ala (NM_001177984.3, NM_001369788.1); c.4679T>C, p.Val1560Ala (NM_014191.4); short protein forms V1560A, V1519A.
Identifiers: ClinVar variation 2108155 (VCV002108155.4), dbSNP rs2540315715, ClinGen allele CA384879119.

ClinVar aggregate classification (germline): Uncertain significance (1 of 4 stars; one submission).

Conditions:
Early-infantile DEE. Also called: Early infantile epileptic encephalopathy; Early infantile epileptic encephalopathy with suppression bursts; Ohtahara syndrome. Identifiers: Orphanet 1934, MedGen C0393706, MONDO:0800491.

Submission:

Labcorp Genetics (formerly Invitae), Labcorp
Classification: Uncertain significance for Early-infantile DEE. Last evaluated: 2022-03-09. Review status: criteria provided, single submitter. Criteria: Invitae Variant Classification Sherloc (09022015). Collection method: clinical testing. Allele origin: germline.
Comment: In summary, the available evidence is currently insufficient to determine the role of this variant in disease. Therefore, it has been classified as a Variant of Uncertain Significance. Algorithms developed to predict the effect of missense changes on protein structure and function are either unavailable or do not agree on the potential impact of this missense change (SIFT: "Deleterious"; PolyPhen-2: "Benign"; Align-GVGD: "Class C0"). This variant has not been reported in the literature in individuals affected with SCN8A-related conditions. This variant is not present in population databases (gnomAD no frequency). This sequence change replaces valine, which is neutral and non-polar, with alanine, which is neutral and non-polar, at codon 1560 of the SCN8A protein (p.Val1560Ala).